The following is an entry in ClinVar:

NM_001182.5(ALDH7A1):c.928G>T (p.Asp310Tyr)

Gene: ALDH7A1 (aldehyde dehydrogenase 7 family member A1; minus strand). Cytogenetic location: 5q23.2.
Variant type: single nucleotide variant.
Coding change: c.928G>T on transcript NM_001182.5 (MANE Select); coding-DNA position 928, G replaced by T.
Protein change: p.Asp310Tyr; replaces aspartic acid 310 with tyrosine.
Molecular consequence: missense variant.
Genome position (GRCh38, 1-based): chr5:126,559,320, C>A on the plus strand (G>T on the coding strand, the complement: ALDH7A1 is on the minus strand). VCF-style: chr5-126559320-C-A. GRCh37 (hg19) VCF-style: chr5-125895012-C-A.
Other names: c.844G>T, p.Asp282Tyr (NM_001201377.2); c.928G>T, p.Asp310Tyr (NM_001202404.2); short protein forms D282Y, D310Y.
Identifiers: ClinVar variation 1717467 (VCV001717467.6), dbSNP rs2480275890, ClinGen allele CA360726824.

ClinVar aggregate classification (germline): Uncertain significance (1 of 4 stars; one submission).

Conditions:
Pyridoxine-dependent epilepsy (EPEO4). Also called: EPILEPSY, EARLY-ONSET, 4, VITAMIN B6-DEPENDENT; PYRIDOXINE DEPENDENCY WITH SEIZURES; Pyridoxine-Dependent Seizures; Pyridoxine-Dependent Epilepsy - ALDH7A1. Identifiers: Orphanet 3006, MedGen C1849508, MONDO:0009945, OMIM 266100. Disease mechanism: loss of function.

Allele frequency attached by ClinVar (database versions not stated): gnomAD exomes below 0.00001.
gnomAD v4.1: 1 of 1,613,704 alleles (0.000062%); highest among the groups gnomAD compares: Non-Finnish European, 0.000085%; no homozygotes.

Submission:

Labcorp Genetics (formerly Invitae), Labcorp
Classification: Uncertain significance for Pyridoxine-dependent epilepsy. Last evaluated: 2023-08-11. Review status: criteria provided, single submitter. Criteria: Invitae Variant Classification Sherloc (09022015). Collection method: clinical testing. Allele origin: germline.
Comment: This variant has not been reported in the literature in individuals affected with ALDH7A1-related conditions. ClinVar contains an entry for this variant (Variation ID: 1717467). Advanced modeling of protein sequence and biophysical properties (such as structural, functional, and spatial information, amino acid conservation, physicochemical variation, residue mobility, and thermodynamic stability) performed at Invitae indicates that this missense variant is expected to disrupt ALDH7A1 protein function. In summary, the available evidence is currently insufficient to determine the role of this variant in disease. Therefore, it has been classified as a Variant of Uncertain Significance. This variant is not present in population databases (gnomAD no frequency). This sequence change replaces aspartic acid, which is acidic and polar, with tyrosine, which is neutral and polar, at codon 310 of the ALDH7A1 protein (p.Asp310Tyr).